The following is an entry in ClinVar:

NM_032436.4(CHAMP1):c.2108A>G (p.Lys703Arg)

Gene: CHAMP1 (chromosome alignment maintaining phosphoprotein 1; plus strand). Cytogenetic location: 13q34.
Variant type: single nucleotide variant.
Coding change: c.2108A>G on transcript NM_032436.4 (MANE Select); coding-DNA position 2108, A replaced by G.
Protein change: p.Lys703Arg; replaces lysine 703 with arginine.
Molecular consequence: missense variant.
Genome position (GRCh38, 1-based): chr13:114,325,950, A>G. VCF-style: chr13-114325950-A-G. GRCh37 (hg19) VCF-style: chr13-115091425-A-G.
Other names: c.2108A>G, p.Lys703Arg (NM_001164145.3, NM_001164144.3); short protein forms K703R.
Identifiers: ClinVar variation 4873951 (VCV004873951.2).

ClinVar aggregate classification (germline): Uncertain significance (1 of 4 stars; one submission).

gnomAD v4.1: 1 of 1,614,190 alleles (0.000062%); highest among the groups gnomAD compares: Non-Finnish European, 0.000085%; no homozygotes.

Submission:

CeGaT Center for Human Genetics Tuebingen
Classification: Uncertain significance. Last evaluated: 2026-03-01. Review status: criteria provided, single submitter. Criteria: CeGaT Center For Human Genetics Tuebingen Variant Classification Criteria Version 2. Collection method: clinical testing. Allele origin: germline. Affected: yes. Observed: 1 variant allele.
Comment: CHAMP1: PP2